The following is an entry in ClinVar:

NM_022765.4(MICAL1):c.251G>A (p.Ser84Asn)

Gene: MICAL1 (microtubule associated monooxygenase, calponin and LIM domain containing 1; minus strand). Cytogenetic location: 6q21.
Variant type: single nucleotide variant.
Coding change: c.251G>A on transcript NM_022765.4 (MANE Select); coding-DNA position 251, G replaced by A.
Protein change: p.Ser84Asn; replaces serine 84 with asparagine.
Molecular consequence: missense variant.
Genome position (GRCh38, 1-based): chr6:109,453,946, C>T on the plus strand (G>A on the coding strand, the complement: MICAL1 is on the minus strand). VCF-style: chr6-109453946-C-T. GRCh37 (hg19) VCF-style: chr6-109775149-C-T.
Other names: c.251G>A, p.Ser84Asn (NM_001159291.2); c.308G>A, p.Ser103Asn (NM_001286613.2); short protein forms S84N, S103N.
Identifiers: ClinVar variation 2720805 (VCV002720805.3), dbSNP rs141098491, ClinGen allele CA3953860.
Genomic context (GRCh38, chr6:109,453,946, plus strand): 5'-GTCCTCTGACTCCCCGCATGCTCCACACCCCATCCCAGGCACCGTGTATCCACCTTGGTG[C>T]TGGTGCAGGCCCGGCCCTGCTGGTAGACAGGCTGGCCTGCTCGCTTGTCCAGCTTGGTCC-3'
Protein context (NP_073602.3, residues 74-94): PVYQQGRACT[Ser84Asn]TKCLVVGAGP

ClinVar aggregate classification (germline): Uncertain significance (1 of 4 stars; one submission).

gnomAD v4.1: 12 of 1,613,164 alleles (0.00074%); highest among the groups gnomAD compares: Middle Eastern, 0.016%; no homozygotes.

Submission:

Labcorp Genetics (formerly Invitae), Labcorp
Classification: Uncertain significance. Last evaluated: 2024-07-16. Review status: criteria provided, single submitter. Criteria: Invitae Variant Classification Sherloc (09022015). Collection method: clinical testing. Allele origin: germline.
Comment: This sequence change replaces serine, which is neutral and polar, with asparagine, which is neutral and polar, at codon 103 of the MICAL1 protein (p.Ser103Asn). This variant is present in population databases (rs141098491, gnomAD 0.003%). This variant has not been reported in the literature in individuals affected with MICAL1-related conditions. An algorithm developed to predict the effect of missense changes on protein structure and function outputs the following: PolyPhen-2: "Benign". The asparagine amino acid residue is found in multiple mammalian species, which suggests that this missense change does not adversely affect protein function. In summary, the available evidence is currently insufficient to determine the role of this variant in disease. Therefore, it has been classified as a Variant of Uncertain Significance.